The following is an entry in ClinVar:

NM_000038.6(APC):c.4376C>G (p.Thr1459Ser)

Gene: APC (APC regulator of Wnt signaling pathway; plus strand). Cytogenetic location: 5q22.2.
Variant type: single nucleotide variant.
Coding change: c.4376C>G on transcript NM_000038.6 (MANE Select); coding-DNA position 4376, C replaced by G.
Protein change: p.Thr1459Ser; replaces threonine 1459 with serine.
Molecular consequence: missense variant.
Genome position (GRCh38, 1-based): chr5:112,839,970, C>G. VCF-style: chr5-112839970-C-G. GRCh37 (hg19) VCF-style: chr5-112175667-C-G.
Other names: c.4376C>G, p.Thr1459Ser (NM_001127510.3, NM_001354895.2); c.4322C>G, p.Thr1441Ser (NM_001127511.3); c.4430C>G, p.Thr1477Ser (NM_001354896.2); c.4406C>G, p.Thr1469Ser (NM_001354897.2); c.4301C>G, p.Thr1434Ser (NM_001354898.2); c.4292C>G, p.Thr1431Ser (NM_001354899.2); c.4253C>G, p.Thr1418Ser (NM_001354900.2); c.4199C>G, p.Thr1400Ser (NM_001354901.2); and 5 more; short protein forms T1441S, T1459S, T1176S, T1434S, T1400S, T1477S, T1333S, T1358S.
Identifiers: ClinVar variation 230474 (VCV000230474.22), dbSNP rs756048549, ClinGen allele CA038928.

ClinVar aggregate classification (germline): Conflicting classifications of pathogenicity. Review status: criteria provided, conflicting classifications (1 of 4 stars). 7 submissions from 7 submitters: Uncertain significance (3); Benign (1); Likely benign (2). 1 of the submissions does not count toward it. Last evaluated 2025-12-24.

Conditions:
Hereditary cancer-predisposing syndrome. Also called: Neoplastic Syndromes, Hereditary; Tumor predisposition; Hereditary Cancer Syndrome; Hereditary neoplastic syndrome. Identifiers: Orphanet 140162, MedGen C0027672, MeSH D009386, MONDO:0015356.
Familial adenomatous polyposis 1 (FAP1). Also called: FAMILIAL ADENOMATOUS POLYPOSIS 1, ATTENUATED; POLYPOSIS, ADENOMATOUS INTESTINAL. Identifiers: MedGen C2713442, MONDO:0021056, OMIM 175100. Disease mechanism: loss of function.
Classic or attenuated familial adenomatous polyposis. Identifiers: MedGen CN372698, MONDO:0021057.

Allele frequency attached by ClinVar (database versions not stated): ExAC 0.00001; gnomAD exomes 0.00001; TOPMed 0.00002.
gnomAD v4.1: 16 of 1,614,088 alleles (0.00099%); highest among the groups gnomAD compares: African/African-American, 0.0013%; no homozygotes.

Submissions (7):

Labcorp Genetics (formerly Invitae), Labcorp
Classification: Benign for Familial adenomatous polyposis 1. Last evaluated: 2025-12-24. Review status: criteria provided, single submitter. Criteria: Invitae Variant Classification Sherloc (09022015). Collection method: clinical testing. Allele origin: germline.

Color Diagnostics, LLC DBA Color Health
Classification: Uncertain significance for Hereditary cancer-predisposing syndrome. Last evaluated: 2024-09-25. Review status: criteria provided, single submitter. Criteria: ACMG Guidelines, 2015. Collection method: clinical testing. Allele origin: germline.
Comment: This missense variant replaces threonine with serine at codon 1459 of the APC protein. Computational prediction suggests that this variant may not impact protein structure and function (internally defined REVEL score threshold <= 0.5, PMID: 27666373). To our knowledge, functional studies have not been reported for this variant. This variant has not been reported in individuals affected with APC-related disorders in the literature. This variant has been identified in 2/251194 chromosomes in the general population by the Genome Aggregation Database (gnomAD). The available evidence is insufficient to determine the role of this variant in disease conclusively. Therefore, this variant is classified as a Variant of Uncertain Significance.

All of Us Research Program, National Institutes of Health
Classification: Likely benign for Classic or attenuated familial adenomatous polyposis. Last evaluated: 2023-09-17. Review status: criteria provided, single submitter. Criteria: ACMG Guidelines, 2015. Collection method: clinical testing. Allele origin: germline. Inheritance: Autosomal dominant inheritance. Observed: 3 variant alleles, 3 heterozygotes.
Comment: This study involves interpretation of variants in research participants for the purpose of population health screening. Participant phenotype was not available at the time of variant classification. Additional details can be found in publication PMID: 35346344, PMCID: PMC8962531

Myriad Genetics, Inc.
Classification: Uncertain significance for Familial adenomatous polyposis 1. Last evaluated: 2023-02-15. Review status: criteria provided, single submitter. Criteria: Myriad Autosomal Dominant, Autosomal Recessive and X-Linked Classification Criteria (2023). Collection method: clinical testing. Allele origin: unknown.
Comment: This variant is classified as a variant of uncertain significance as there is insufficient evidence to determine its impact on protein function and/or cancer risk.

Quest Diagnostics Nichols Institute San Juan Capistrano
Classification: Uncertain significance. Last evaluated: 2022-12-22. Review status: criteria provided, single submitter. Criteria: Quest Diagnostics criteria. Collection method: clinical testing. Allele origin: unknown.
Comment: To the best of our knowledge, the variant has not been reported in the published literature. The frequency of this variant in the general population, 0.000008 (2/251194 chromosomes), is uninformative in assessment of its pathogenicity. Analysis of this variant using bioinformatics tools for the prediction of the effect of amino acid changes on protein structure and function yielded predictions that this variant is benign. Based on the available information, we are unable to determine the clinical significance of this variant.

Ambry Genetics
Classification: Likely benign for Hereditary cancer-predisposing syndrome. Last evaluated: 2019-03-25. Review status: criteria provided, single submitter. Criteria: Ambry Variant Classification Scheme 2023. Collection method: clinical testing. Allele origin: germline.

Counsyl
Classification: Uncertain significance for Familial adenomatous polyposis 1. Last evaluated: 2017-11-13. Review status: no assertion criteria provided. Collection method: clinical testing. Allele origin: unknown. Not counted in ClinVar's aggregate classification.

Literature cited by the submitters: PubMed 27717299 (cited by Ambry Genetics); PubMed 28057616 (cited by Ambry Genetics).